The following is an entry in ClinVar:

ClinVar aggregate classification (germline): Uncertain significance. Review status: criteria provided, multiple submitters, no conflicts (2 of 4 stars). 3 submissions from 3 submitters: Uncertain significance (3). Last evaluated 2025-05-17.

Conditions:
Fanconi anemia (FA). Also called: Fanconi's anemia. Identifiers: Orphanet 84, MedGen C0015625, MeSH D005199, MONDO:0019391.
Inborn genetic diseases. Identifiers: MedGen C0950123, MeSH D030342.

Allele frequency attached by ClinVar (database versions not stated): gnomAD exomes 0.00002 and 0.00001; ExAC 0.00004; gnomAD 0.00001; TOPMed 0.00001.
gnomAD v4.1: 21 of 1,614,016 alleles (0.0013%); highest among the groups gnomAD compares: Non-Finnish European, 0.0017%; no homozygotes.

Submissions (3):

Ambry Genetics
Classification: Uncertain significance for Inborn genetic diseases. Last evaluated: 2025-05-17. Review status: criteria provided, single submitter. Criteria: Ambry Variant Classification Scheme 2023. Collection method: clinical testing. Allele origin: germline.
Comment: The p.Q404R variant (also known as c.1211A>G), located in coding exon 13 of the FANCA gene, results from an A to G substitution at nucleotide position 1211. The glutamine at codon 404 is replaced by arginine, an amino acid with highly similar properties. This amino acid position is conserved. In addition, this alteration is predicted to be tolerated by in silico analysis. Based on the available evidence, the clinical significance of this variant remains unclear.

Labcorp Genetics (formerly Invitae), Labcorp
Classification: Uncertain significance for Fanconi anemia. Last evaluated: 2021-08-24. Review status: criteria provided, single submitter. Criteria: Invitae Variant Classification Sherloc (09022015). Collection method: clinical testing. Allele origin: germline.
Comment: This sequence change replaces glutamine with arginine at codon 404 of the FANCA protein (p.Gln404Arg). The glutamine residue is highly conserved and there is a small physicochemical difference between glutamine and arginine. This variant is present in population databases (rs769664248, ExAC 0.007%). This variant has not been reported in the literature in individuals affected with FANCA-related conditions. Advanced modeling of protein sequence and biophysical properties (such as structural, functional, and spatial information, amino acid conservation, physicochemical variation, residue mobility, and thermodynamic stability) performed at Invitae indicates that this missense variant is not expected to disrupt FANCA protein function. In summary, the available evidence is currently insufficient to determine the role of this variant in disease. Therefore, it has been classified as a Variant of Uncertain Significance.

Genetic Services Laboratory, University of Chicago
Classification: Uncertain significance. Last evaluated: 2019-08-21. Review status: criteria provided, single submitter. Criteria: ACMG Guidelines, 2015. Collection method: clinical testing. Allele origin: germline. Affected: no.

NM_000135.4(FANCA):c.1211A>G (p.Gln404Arg)

Gene: FANCA (FA complementation group A; minus strand). Cytogenetic location: 16q24.3.
Variant type: single nucleotide variant.
Coding change: c.1211A>G on transcript NM_000135.4 (MANE Select); coding-DNA position 1211, A replaced by G.
Protein change: p.Gln404Arg; replaces glutamine 404 with arginine.
Molecular consequence: missense variant.
Genome position (GRCh38, 1-based): chr16:89,791,941, T>C on the plus strand (A>G on the coding strand, the complement: FANCA is on the minus strand). VCF-style: chr16-89791941-T-C. GRCh37 (hg19) VCF-style: chr16-89858349-T-C.
Other names: c.1211A>G, p.Gln404Arg (NM_001286167.3); short protein forms Q404R.
Identifiers: ClinVar variation 1337324 (VCV001337324.6), dbSNP rs769664248, ClinGen allele CA8252480.